The following is an entry in ClinVar:

ClinVar aggregate classification (germline): Uncertain significance. Review status: criteria provided, multiple submitters, no conflicts (2 of 4 stars). 3 submissions from 3 submitters: Uncertain significance (3). Last evaluated 2023-11-30.

Conditions:
RYR1-related disorder. Also called: RYR1-related condition; RYR1-related disorders. Identifiers: MedGen CN239331.
Malignant hyperthermia, susceptibility to, 1 (MHS1). Also called: RYR1-Related Malignant Hyperthermia Susceptibility; Malignant hyperthermia suceptibility 1; Anesthesia related hyperthermia; Malignant hyperpyrexia; Fulminating hyperpyrexia; Pharmacogenic myopathy. Identifiers: Orphanet 423, MedGen C2930980, MONDO:0007783, OMIM 145600.

gnomAD v4.1: 2 of 1,614,152 alleles (0.00012%); no homozygotes.

Submissions (3):

All of Us Research Program, National Institutes of Health
Classification: Uncertain significance for Malignant hyperthermia, susceptibility to, 1. Last evaluated: 2023-11-30. Review status: criteria provided, single submitter. Criteria: ACMG Guidelines, 2015. Collection method: clinical testing. Allele origin: germline. Inheritance: Autosomal dominant inheritance. Observed: 1 variant allele, 1 heterozygote.
Comment: This study involves interpretation of variants in research participants for the purpose of population health screening. Participant phenotype was not available at the time of variant classification. Additional details can be found in publication PMID: 35346344, PMCID: PMC8962531

Women's Health and Genetics/Laboratory Corporation of America, LabCorp
Classification: Uncertain significance. Last evaluated: 2023-11-21. Review status: criteria provided, single submitter. Criteria: LabCorp Variant Classification Summary - May 2015. Collection method: clinical testing. Allele origin: germline.
Comment: Variant summary: RYR1 c.6952T>C (p.Tyr2318His) results in a conservative amino acid change located in the RIH domain (IPR000699) of the encoded protein sequence. Four of five in-silico tools predict a damaging effect of the variant on protein function. The variant was absent in 251386 control chromosomes. The available data on variant occurrences in the general population are insufficient to allow any conclusion about variant significance. To our knowledge, no occurrence of c.6952T>C in individuals affected with Myopathy, RYR1-Associated and no experimental evidence demonstrating its impact on protein function have been reported. One submitter has cited clinical-significance assessments for this variant to ClinVar after 2014 and has classified the variant as uncertain significance. Based on the evidence outlined above, the variant was classified as uncertain significance.

Labcorp Genetics (formerly Invitae), Labcorp
Classification: Uncertain significance for RYR1-related disorder. Last evaluated: 2022-05-16. Review status: criteria provided, single submitter. Criteria: Invitae Variant Classification Sherloc (09022015). Collection method: clinical testing. Allele origin: germline.
Comment: This sequence change replaces tyrosine, which is neutral and polar, with histidine, which is basic and polar, at codon 2318 of the RYR1 protein (p.Tyr2318His). This variant is not present in population databases (gnomAD no frequency). This variant has not been reported in the literature in individuals affected with RYR1-related conditions. Advanced modeling of protein sequence and biophysical properties (such as structural, functional, and spatial information, amino acid conservation, physicochemical variation, residue mobility, and thermodynamic stability) performed at Invitae indicates that this missense variant is expected to disrupt RYR1 protein function. In summary, the available evidence is currently insufficient to determine the role of this variant in disease. Therefore, it has been classified as a Variant of Uncertain Significance.

NM_000540.3(RYR1):c.6952T>C (p.Tyr2318His)

Gene: RYR1 (ryanodine receptor 1; plus strand). Cytogenetic location: 19q13.2.
Variant type: single nucleotide variant.
Coding change: c.6952T>C on transcript NM_000540.3 (MANE Select); coding-DNA position 6952, T replaced by C.
Protein change: p.Tyr2318His; replaces tyrosine 2318 with histidine.
Molecular consequence: missense variant.
Genome position (GRCh38, 1-based): chr19:38,499,168, T>C. VCF-style: chr19-38499168-T-C. GRCh37 (hg19) VCF-style: chr19-38989808-T-C.
Other names: c.6952T>C, p.Tyr2318His (NM_001042723.2); short protein forms Y2318H.
Identifiers: ClinVar variation 2109477 (VCV002109477.3), dbSNP rs2514308414, ClinGen allele CA405667266.